The following is an entry in ClinVar:

ClinVar aggregate classification (germline): Uncertain significance (1 of 4 stars; one submission).

Conditions:
Genitopatellar syndrome (GTPTS). Also called: ABSENT PATELLAE, SCROTAL HYPOPLASIA, RENAL ANOMALIES, FACIAL DYSMORPHISM, AND MENTAL RETARDATION; Genitopatellar syndrome (GPS). Identifiers: Orphanet 85201, MedGen C1853566, MONDO:0011640, OMIM 606170.

Submission:

Labcorp Genetics (formerly Invitae), Labcorp
Classification: Uncertain significance for Genitopatellar syndrome. Last evaluated: 2025-06-11. Review status: criteria provided, single submitter. Criteria: Invitae Variant Classification Sherloc (09022015). Collection method: clinical testing. Allele origin: germline.
Comment: This variant, c.3436_3438del, results in the deletion of 1 amino acid(s) of the KAT6B protein (p.Thr1146del), but otherwise preserves the integrity of the reading frame. This variant is not present in population databases (gnomAD no frequency). This variant has not been reported in the literature in individuals affected with KAT6B-related conditions. Experimental studies and prediction algorithms are not available or were not evaluated, and the functional significance of this variant is currently unknown. In summary, the available evidence is currently insufficient to determine the role of this variant in disease. Therefore, it has been classified as a Variant of Uncertain Significance.

NM_012330.4(KAT6B):c.3433ACA[1] (p.Thr1146del)

Gene: KAT6B (lysine acetyltransferase 6B; plus strand). Cytogenetic location: 10q22.2.
Variant type: Microsatellite.
Coding change: c.3433ACA[1] on transcript NM_012330.4 (MANE Select); one copy of the 3-base unit ACA starting at c.3433; the reference has two copies in a row; one copy, 3 bases deleted.
Protein change: p.Thr1146del; deletes threonine 1146.
Molecular consequence: inframe deletion.
Genome position (GRCh38, 1-based): chr10:75,025,021-75,025,023, ACA deleted; deleting any 3 consecutive bases within chr10:75,025,017-75,025,023 gives the same sequence; the position shown is the placement nearest the transcript's 3' end. VCF-style (leftmost placement, unchanged base first): chr10-75025016-TAAC-T. GRCh37 (hg19) VCF-style: chr10-76784774-TAAC-T.
Other names: c.2884ACA[1], p.Thr963del (NM_001256468.2, NM_001370138.1); c.2557ACA[1], p.Thr854del (NM_001256469.2, NM_001370139.1, NM_001370140.1 and 2 more transcripts); c.2395ACA[1], p.Thr800del (NM_001370132.1); c.1744ACA[1], p.Thr583del (NM_001370133.1); c.1348ACA[1], p.Thr451del (NM_001370134.1); c.1090ACA[1], p.Thr365del (NM_001370135.1); c.3433ACA[1], p.Thr1146del (NM_001370136.1, NM_001370137.1); c.2368ACA[1], p.Thr791del (NM_001370143.1, NM_001370144.1); short protein forms T1146del, T365del, T451del, T583del, T800del, T791del, T854del, T963del.
Identifiers: ClinVar variation 4720124 (VCV004720124.1).
Genomic context (GRCh38, chr10:75,025,016, plus strand): 5'-AGAGGCCTTTTGTACTAAAGAAGAAAAGGGGTCGTAAACGCAGGAGGATCAACAGCAGTG[TAAC>T]AACAGAGACCATTTCAGAGACGACAGAAGTACTGAATGAGCCCTTTGACAACTCAGATGA-3'